The following is an entry in ClinVar:

ClinVar aggregate classification (germline): Uncertain significance (1 of 4 stars; one submission).

Conditions:
Hereditary cancer-predisposing syndrome. Also called: Tumor predisposition; Hereditary Cancer Syndrome; Hereditary neoplastic syndrome; Neoplastic Syndromes, Hereditary. Identifiers: Orphanet 140162, MedGen C0027672, MeSH D009386, MONDO:0015356.

gnomAD v4.1: 1 of 1,614,046 alleles (0.000062%); highest among the groups gnomAD compares: South Asian, 0.0011%; no homozygotes.

Submission:

Ambry Genetics
Classification: Uncertain significance for Hereditary cancer-predisposing syndrome. Last evaluated: 2024-06-24. Review status: criteria provided, single submitter. Criteria: Ambry Variant Classification Scheme 2023. Collection method: clinical testing. Allele origin: germline.
Comment: The p.Q318R variant (also known as c.953A>G), located in coding exon 1 of the MET gene, results from an A to G substitution at nucleotide position 953. The glutamine at codon 318 is replaced by arginine, an amino acid with highly similar properties. This amino acid position is conserved. In addition, the in silico prediction for this alteration is inconclusive. Based on the available evidence, the clinical significance of this variant remains unclear.

NM_000245.4(MET):c.953A>G (p.Gln318Arg)

Gene: MET (MET proto-oncogene, receptor tyrosine kinase; plus strand). Cytogenetic location: 7q31.2.
Variant type: single nucleotide variant.
Coding change: c.953A>G on transcript NM_000245.4 (MANE Select); coding-DNA position 953, A replaced by G.
Protein change: p.Gln318Arg; replaces glutamine 318 with arginine.
Molecular consequence: missense variant. On other transcripts: intron variant (1).
Genome position (GRCh38, 1-based): chr7:116,700,037, A>G. VCF-style: chr7-116700037-A-G. GRCh37 (hg19) VCF-style: chr7-116340091-A-G.
Other names: c.953A>G, p.Gln318Arg (NM_001127500.3, NM_001324401.3); c.-91+27460A>G (NM_001324402.2); short protein forms Q318R.
Identifiers: ClinVar variation 3294390 (VCV003294390.1).